The following is an entry in ClinVar:

ClinVar aggregate classification (germline): Likely pathogenic (1 of 4 stars; one submission).

Conditions:
EXT1-related disorder. Also called: EXT1-related condition.

Submission:

PreventionGenetics, part of Exact Sciences
Classification: Likely pathogenic for EXT1-related condition. Last evaluated: 2026-08-28. Review status: criteria provided, single submitter. Criteria: ACMG Guidelines, 2015. Collection method: clinical testing. Allele origin: germline.
Comment: The EXT1 c.1662_1665dupCAAC variant is predicted to result in a frameshift and premature protein termination (p.Ile556Glnfs*11). To our knowledge, this variant has not been reported in the literature or in a large population database (gnomAD), indicating this variant is rare. Frameshift variants in EXT1 are expected to be pathogenic. This variant is interpreted as likely pathogenic.

NM_000127.3(EXT1):c.1662_1665dup (p.Ile556fs)

Gene: EXT1 (exostosin glycosyltransferase 1; minus strand). Cytogenetic location: 8q24.11.
Variant type: Duplication.
Coding change: c.1662_1665dup on transcript NM_000127.3 (MANE Select); coding-DNA positions 1662 to 1665, 4 bases duplicated (CAAC; older notation c.1662_1665dupCAAC).
Protein change: p.Ile556fs; shifts the reading frame from isoleucine 556.
Molecular consequence: frameshift variant.
Genome position (GRCh38, 1-based): chr8:117,812,929-117,812,932, GTTG duplicated on the plus strand (CAAC on the coding strand, the reverse complement: EXT1 is on the minus strand). VCF-style (leftmost placement, unchanged base first): chr8-117812928-T-TGTTG. GRCh37 (hg19) VCF-style: chr8-118825167-T-TGTTG.
Other names: c.1662_1665dupCAAC (NM_000127.2); short protein forms I556fs.
Identifiers: ClinVar variation 4991481 (VCV004991481.1).